The following is an entry in ClinVar:

ClinVar aggregate classification (germline): Uncertain significance. Review status: criteria provided, multiple submitters, no conflicts (2 of 4 stars). 3 submissions from 3 submitters: Uncertain significance (3). Last evaluated 2024-05-03.

Conditions:
Inborn genetic diseases. Identifiers: MedGen C0950123, MeSH D030342.

Allele frequency attached by ClinVar (database versions not stated): gnomAD exomes 0.00001.
gnomAD v4.1: 11 of 1,614,150 alleles (0.00068%); highest among the groups gnomAD compares: East Asian, 0.013%; no homozygotes.

Submissions (3):

Blueprint Genetics
Classification: Uncertain significance. Last evaluated: 2024-05-03. Review status: criteria provided, single submitter. Criteria: ACMG Guidelines, 2015. Collection method: clinical testing. Allele origin: germline.

Ambry Genetics
Classification: Uncertain significance for Inborn genetic diseases. Last evaluated: 2022-11-18. Review status: criteria provided, single submitter. Criteria: Ambry Variant Classification Scheme 2023. Collection method: clinical testing. Allele origin: germline.

Labcorp Genetics (formerly Invitae), Labcorp
Classification: Uncertain significance. Last evaluated: 2022-09-27. Review status: criteria provided, single submitter. Criteria: Invitae Variant Classification Sherloc (09022015). Collection method: clinical testing. Allele origin: germline.
Comment: This sequence change replaces serine, which is neutral and polar, with leucine, which is neutral and non-polar, at codon 927 of the CNGB1 protein (p.Ser927Leu). This variant is present in population databases (no rsID available, gnomAD 0.01%). This variant has not been reported in the literature in individuals affected with CNGB1-related conditions. ClinVar contains an entry for this variant (Variation ID: 1007488). Advanced modeling of protein sequence and biophysical properties (such as structural, functional, and spatial information, amino acid conservation, physicochemical variation, residue mobility, and thermodynamic stability) has been performed at Invitae for this missense variant, however the output from this modeling did not meet the statistical confidence thresholds required to predict the impact of this variant on CNGB1 protein function. In summary, the available evidence is currently insufficient to determine the role of this variant in disease. Therefore, it has been classified as a Variant of Uncertain Significance.

NM_001297.5(CNGB1):c.2780C>T (p.Ser927Leu)

Gene: CNGB1 (cyclic nucleotide gated channel subunit beta 1; minus strand). Cytogenetic location: 16q21.
Variant type: single nucleotide variant.
Coding change: c.2780C>T on transcript NM_001297.5 (MANE Select); coding-DNA position 2780, C replaced by T.
Protein change: p.Ser927Leu; replaces serine 927 with leucine.
Molecular consequence: missense variant.
Genome position (GRCh38, 1-based): chr16:57,903,836, G>A on the plus strand (C>T on the coding strand, the complement: CNGB1 is on the minus strand). VCF-style: chr16-57903836-G-A. GRCh37 (hg19) VCF-style: chr16-57937740-G-A.
Other names: c.2780C>T (NM_001297.4); c.2762C>T, p.Ser921Leu (NM_001286130.2); short protein forms S921L, S927L.
Identifiers: ClinVar variation 1007488 (VCV001007488.10), dbSNP rs1229568395, ClinGen allele CA396057185.